The following is an entry in ClinVar:

ClinVar aggregate classification (germline): Uncertain significance (1 of 4 stars; one submission).

Conditions:
Hypertrophic cardiomyopathy 2. Also called: TNNT2-Related Familial Hypertrophic Cardiomyopathy. Identifiers: MedGen C1861864, MONDO:0007266, OMIM 115195.
Cardiomyopathy, familial restrictive, 3. Identifiers: Orphanet 75249, MedGen C2676271, MONDO:0012900, OMIM 612422.
Dilated cardiomyopathy 1D. Identifiers: Orphanet 154, Orphanet 54260, MedGen C1832243, MONDO:0011095, OMIM 601494.

Allele frequency attached by ClinVar (database versions not stated): gnomAD exomes below 0.00001.

Submission:

Labcorp Genetics (formerly Invitae), Labcorp
Classification: Uncertain significance for Cardiomyopathy, familial restrictive, 3; Hypertrophic cardiomyopathy 2; Dilated cardiomyopathy 1D. Last evaluated: 2017-08-23. Review status: criteria provided, single submitter. Criteria: Invitae Variant Classification Sherloc (09022015). Collection method: clinical testing. Allele origin: germline.
Comment: In summary, the available evidence is currently insufficient to determine the role of this variant in disease. Therefore, it has been classified as a Variant of Uncertain Significance. Algorithms developed to predict the effect of missense changes on protein structure and function (SIFT, PolyPhen-2, Align-GVGD) all suggest that this variant is likely to be tolerated, but these predictions have not been confirmed by published functional studies and their clinical significance is uncertain. This variant has not been reported in the literature in individuals with TNNT2-related disease. This variant is not present in population databases (ExAC no frequency). This sequence change replaces methionine with leucine at codon 182 of the TNNT2 protein (p.Met182Leu). The methionine residue is weakly conserved and there is a small physicochemical difference between methionine and leucine.

NM_001276345.2(TNNT2):c.574A>T (p.Met192Leu)

Gene: TNNT2 (troponin T2, cardiac type; minus strand). Cytogenetic location: 1q32.1.
Variant type: single nucleotide variant.
Coding change: c.574A>T on transcript NM_001276345.2 (MANE Select); coding-DNA position 574, A replaced by T.
Protein change: p.Met192Leu; replaces methionine 192 with leucine.
Molecular consequence: missense variant.
Genome position (GRCh38, 1-based): chr1:201,363,322, T>A on the plus strand (A>T on the coding strand, the complement: TNNT2 is on the minus strand). VCF-style: chr1-201363322-T-A. GRCh37 (hg19) VCF-style: chr1-201332450-T-A.
Other names: c.574A>T, p.Met192Leu (NM_000364.4); c.544A>T, p.Met182Leu (NM_001001430.3, NM_001001431.3, NM_001276347.2); c.529A>T, p.Met177Leu (NM_001001432.3); c.454A>T, p.Met152Leu (NM_001276346.2); short protein forms M182L, M192L, M177L, M152L.
Identifiers: ClinVar variation 537258 (VCV000537258.8), dbSNP rs1553281184, ClinGen allele CA344204326.